The following is an entry in ClinVar:

NM_001170629.2(CHD8):c.4462G>C (p.Val1488Leu)

Gene: CHD8 (chromodomain helicase DNA binding protein 8; minus strand). Cytogenetic location: 14q11.2.
Variant type: single nucleotide variant.
Coding change: c.4462G>C on transcript NM_001170629.2 (MANE Select); coding-DNA position 4462, G replaced by C.
Protein change: p.Val1488Leu; replaces valine 1488 with leucine.
Molecular consequence: missense variant.
Genome position (GRCh38, 1-based): chr14:21,400,521, C>G on the plus strand (G>C on the coding strand, the complement: CHD8 is on the minus strand). VCF-style: chr14-21400521-C-G. GRCh37 (hg19) VCF-style: chr14-21868680-C-G.
Other names: c.3625G>C, p.Val1209Leu (NM_020920.4); short protein forms V1209L, V1488L.
Identifiers: ClinVar variation 589140 (VCV000589140.12), dbSNP rs754553508, ClinGen allele CA7091214.
Genomic context (GRCh38, chr14:21,400,521, plus strand): 5'-TCAAGTCCCAGATGAAGCCTTTAATATTTTCATCCCCACGGTAGTGTAGAAGACAGTACA[C>G]GAGAATGGCCCGACAAATGGTCTCCACATCTCGTTCAGTCATACGTCGCTTGAAGCGTCC-3'
Protein context (NP_001164100.1, residues 1478-1498): DVETICRAIL[Val1488Leu]YCLLHYRGDE

ClinVar aggregate classification (germline): Conflicting classifications of pathogenicity. Review status: criteria provided, conflicting classifications (1 of 4 stars). 4 submissions from 4 submitters: Uncertain significance (3); Likely benign (1). Last evaluated 2025-05-27.

Conditions:
Inborn genetic diseases. Identifiers: MedGen C0950123, MeSH D030342.

Allele frequency attached by ClinVar (database versions not stated): ExAC 0.00001; gnomAD 0.00002; gnomAD exomes 0.00001; TOPMed 0.00001.
gnomAD v4.1: 7 of 1,613,334 alleles (0.00043%); highest among the groups gnomAD compares: African/African-American, 0.0013%; no homozygotes.

Submissions (4):

Labcorp Genetics (formerly Invitae), Labcorp
Classification: Likely benign. Last evaluated: 2025-05-27. Review status: criteria provided, single submitter. Criteria: Invitae Variant Classification Sherloc (09022015). Collection method: clinical testing. Allele origin: germline.

GeneDx
Classification: Uncertain significance. Last evaluated: 2022-08-09. Review status: criteria provided, single submitter. Criteria: GeneDx Variant Classification Process June 2021. Collection method: clinical testing. Allele origin: germline.
Comment: Not observed at significant frequency in large population cohorts (gnomAD); In silico analysis supports that this missense variant does not alter protein structure/function; Has not been previously published as pathogenic or benign to our knowledge

Ambry Genetics
Classification: Uncertain significance for Inborn genetic diseases. Last evaluated: 2017-05-26. Review status: criteria provided, single submitter. Criteria: Ambry Variant Classification Scheme 2023. Collection method: clinical testing. Allele origin: germline.
Comment: The p.V1488L variant (also known as c.4462G>C), located in coding exon 22 of the CHD8 gene, results from a G to C substitution at nucleotide position 4462. The valine at codon 1488 is replaced by leucine, an amino acid with highly similar properties. This amino acid position is highly conserved in available vertebrate species. In addition, the in silico prediction for this alteration is inconclusive. Since supporting evidence is limited at this time, the clinical significance of this alteration remains unclear.

Breakthrough Genomics
Classification: Uncertain significance. Review status: criteria provided, single submitter. Criteria: ACMG Guidelines, 2015. Collection method: not provided. Allele origin: germline. Inheritance: Autosomal dominant inheritance. Affected: yes.